The following is an entry in ClinVar:

ClinVar aggregate classification (germline): Uncertain significance (1 of 4 stars; one submission).

Conditions:
Diamond-Blackfan anemia. Also called: Blackfan Diamond syndrome; Aregenerative anemia chronic congenital; Red cell aplasia, pure hereditary; Congenital hypoplastic anemia; Aase syndrome. Identifiers: Orphanet 124, MedGen C1260899, MeSH D029503, MONDO:0015253, HP:0004810.

Allele frequency attached by ClinVar (database versions not stated): gnomAD exomes below 0.00001; TOPMed below 0.00001.
gnomAD v4.1: 3 of 1,610,666 alleles (0.00019%); highest among the groups gnomAD compares: Non-Finnish European, 0.00025%; no homozygotes.

Submission:

Labcorp Genetics (formerly Invitae), Labcorp
Classification: Uncertain significance for Diamond-Blackfan anemia. Last evaluated: 2023-09-01. Review status: criteria provided, single submitter. Criteria: Invitae Variant Classification Sherloc (09022015). Collection method: clinical testing. Allele origin: germline.
Comment: In summary, the available evidence is currently insufficient to determine the role of this variant in disease. Therefore, it has been classified as a Variant of Uncertain Significance. An algorithm developed to predict the effect of missense changes on protein structure and function (PolyPhen-2) suggests that this variant is likely to be tolerated. This variant has not been reported in the literature in individuals affected with RPL26-related conditions. This variant is not present in population databases (gnomAD no frequency). This sequence change replaces leucine, which is neutral and non-polar, with proline, which is neutral and non-polar, at codon 111 of the RPL26 protein (p.Leu111Pro).

NM_000987.5(RPL26):c.332T>C (p.Leu111Pro)

Gene: RPL26 (ribosomal protein L26; minus strand). Cytogenetic location: 17p13.1.
Variant type: single nucleotide variant.
Coding change: c.332T>C on transcript NM_000987.5 (MANE Select); coding-DNA position 332, T replaced by C.
Protein change: p.Leu111Pro; replaces leucine 111 with proline.
Molecular consequence: missense variant.
Genome position (GRCh38, 1-based): chr17:8,377,670, A>G on the plus strand (T>C on the coding strand, the complement: RPL26 is on the minus strand). VCF-style: chr17-8377670-A-G. GRCh37 (hg19) VCF-style: chr17-8280988-A-G.
Other names: c.332T>C, p.Leu111Pro (NM_001315530.2, NM_001315531.2); short protein forms L111P.
Identifiers: ClinVar variation 2987313 (VCV002987313.3), dbSNP rs1907209486, ClinGen allele CA398012908.